The following is an entry in ClinVar:

NM_002834.5(PTPN11):c.1496C>T (p.Ser499Phe)

Gene: PTPN11 (protein tyrosine phosphatase non-receptor type 11; plus strand). Cytogenetic location: 12q24.13.
Variant type: single nucleotide variant.
Coding change: c.1496C>T on transcript NM_002834.5 (MANE Select); coding-DNA position 1496, C replaced by T.
Protein change: p.Ser499Phe; replaces serine 499 with phenylalanine.
Molecular consequence: missense variant.
Genome position (GRCh38, 1-based): chr12:112,489,072, C>T. VCF-style: chr12-112489072-C-T. GRCh37 (hg19) VCF-style: chr12-112926876-C-T.
Other names: c.1508C>T, p.Ser503Phe (NM_001330437.2); c.1493C>T, p.Ser498Phe (NM_001374625.1); short protein forms S498F, S499F, S503F.
Identifiers: ClinVar variation 981535 (VCV000981535.4), dbSNP rs1264992160, ClinGen allele CA386779816.
Genomic context (GRCh38, chr12:112,489,072, plus strand): 5'-TTTCCTTCGTAGGTGTTGACTGCGATATTGACGTTCCCAAAACCATCCAGATGGTGCGGT[C>T]TCAGAGGTCAGGGATGGTCCAGACAGAAGCACAGTACCGATTTATCTATATGGCGGTCCA-3'
Protein context (NP_002825.3, residues 489-509): DVPKTIQMVR[Ser499Phe]QRSGMVQTEA

ClinVar aggregate classification (germline): Uncertain significance. Review status: criteria provided, multiple submitters, no conflicts (2 of 4 stars). 3 submissions from 3 submitters: Uncertain significance (2). 1 of the submissions does not count toward it. Last evaluated 2026-01-07.

Conditions:
Noonan syndrome (NS). Also called: Noonan's syndrome. Identifiers: Orphanet 648, MedGen C0028326, MeSH D009634, MONDO:0018997. Disease mechanism: gain of function.
RASopathy. Also called: Noonan spectrum disorder; rasopathies. Identifiers: Orphanet 536391, MedGen C5555857, MONDO:0021060.

Submissions (3):

Labcorp Genetics (formerly Invitae), Labcorp
Classification: Uncertain significance for RASopathy. Last evaluated: 2026-01-07. Review status: criteria provided, single submitter. Criteria: Invitae Variant Classification Sherloc (09022015). Collection method: clinical testing. Allele origin: germline.
Comment: This sequence change replaces serine, which is neutral and polar, with phenylalanine, which is neutral and non-polar, at codon 499 of the PTPN11 protein (p.Ser499Phe). This variant is not present in population databases (gnomAD no frequency). This missense change has been observed in individual(s) with neurodevelopmental disorders and/or Noonan syndrome (PMID: 28191889, 31057598). ClinVar contains an entry for this variant (Variation ID: 981535). Invitae Evidence Modeling of protein sequence and biophysical properties (such as structural, functional, and spatial information, amino acid conservation, physicochemical variation, residue mobility, and thermodynamic stability) indicates that this missense variant is expected to disrupt PTPN11 protein function with a positive predictive value of 95%. In summary, the available evidence is currently insufficient to determine the role of this variant in disease. Therefore, it has been classified as a Variant of Uncertain Significance.

Women's Health and Genetics/Laboratory Corporation of America, LabCorp
Classification: Uncertain significance. Last evaluated: 2021-06-14. Review status: criteria provided, single submitter. Criteria: LabCorp Variant Classification Summary - May 2015. Collection method: clinical testing. Allele origin: germline.
Comment: Variant summary: PTPN11 c.1496C>T (p.Ser499Phe) results in a non-conservative amino acid change located in the PTP type protein phosphatase (IPR000242) of the encoded protein sequence. Five of five in-silico tools predict a damaging effect of the variant on protein function. The variant was absent in 251492 control chromosomes (gnomAD). c.1496C>T has been reported in the literature in a father and a son both affected with Noonan Syndrome (Kruszka_2017) as well as in an individual affected with Autism Spectrum Disorder (ASD) (Geisheker_2017) . These data indicate that the variant may be associated with disease. To our knowledge, no experimental evidence demonstrating an impact on protein function has been reported. One ClinVar submitter (evaluation after 2014) cites the variant as likely pathogenic. Based on the evidence outlined above, the variant was classified as VUS-possibly pathogenic.

Service de Génétique Moléculaire, Hôpital Robert Debré
Classification: Likely pathogenic for Noonan syndrome. Review status: no assertion criteria provided. Collection method: clinical testing. Allele origin: de novo. Affected: yes. Not counted in ClinVar's aggregate classification.

Literature cited by the submitters: PubMed 28191889 (cited by Labcorp Genetics (formerly Invitae), Labcorp and Women's Health and Genetics/Laboratory Corporation of America, LabCorp); PubMed 31057598 (cited by Labcorp Genetics (formerly Invitae), Labcorp and Women's Health and Genetics/Laboratory Corporation of America, LabCorp); PubMed 28628100 (cited by Women's Health and Genetics/Laboratory Corporation of America, LabCorp); PubMed 28748642 (cited by Women's Health and Genetics/Laboratory Corporation of America, LabCorp).